The following is an entry in ClinVar:

NM_004972.4(JAK2):c.2069G>A (p.Gly690Glu)

Genes: INSL6 (insulin like 6; minus strand), JAK2 (Janus kinase 2; plus strand). Cytogenetic location: 9p24.1.
Variant type: single nucleotide variant.
Coding change: c.2069G>A on transcript NM_004972.4 (MANE Select); coding-DNA position 2069, G replaced by A.
Protein change: p.Gly690Glu; replaces glycine 690 with glutamic acid.
Molecular consequence: missense variant. On other transcripts: non-coding transcript variant (2).
Genome position (GRCh38, 1-based): chr9:5,078,382, G>A. VCF-style: chr9-5078382-G-A. GRCh37 (hg19) VCF-style: chr9-5078382-G-A.
Other names: c.854G>A, p.Gly285Glu (NM_001322198.2, NM_001322199.2); c.1622G>A, p.Gly541Glu (NM_001322204.2); c.2069G>A, p.Gly690Glu (NM_001322194.2, NM_001322195.2, NM_001322196.2); short protein forms G285E, G541E, G690E.
Identifiers: ClinVar variation 2992308 (VCV002992308.3), dbSNP rs925859072, ClinGen allele CA188434700.
Genomic context (GRCh38, chr9:5,078,382, plus strand): 5'-TTCATGGGAATGTATGTGCCAAAAATATTCTGCTTATCAGAGAAGAAGACAGGAAGACAG[G>A]AAATCCTCCTTTCATCAAACTTAGTGATCCTGGCATTAGTATTACAGTTTTGCCAAAGGA-3'
Protein context (NP_004963.1, residues 680-700): LLIREEDRKT[Gly690Glu]NPPFIKLSDP

ClinVar aggregate classification (germline): Uncertain significance (1 of 4 stars; one submission).

Submission:

Labcorp Genetics (formerly Invitae), Labcorp
Classification: Uncertain significance. Last evaluated: 2023-06-13. Review status: criteria provided, single submitter. Criteria: Invitae Variant Classification Sherloc (09022015). Collection method: clinical testing. Allele origin: germline.
Comment: In summary, the available evidence is currently insufficient to determine the role of this variant in disease. Therefore, it has been classified as a Variant of Uncertain Significance. Advanced modeling of protein sequence and biophysical properties (such as structural, functional, and spatial information, amino acid conservation, physicochemical variation, residue mobility, and thermodynamic stability) performed at Invitae indicates that this missense variant is not expected to disrupt JAK2 protein function. This variant has not been reported in the literature in individuals affected with JAK2-related conditions. This variant is not present in population databases (gnomAD no frequency). This sequence change replaces glycine, which is neutral and non-polar, with glutamic acid, which is acidic and polar, at codon 690 of the JAK2 protein (p.Gly690Glu).